The following is an entry in ClinVar:

NM_001256789.3(CACNA1F):c.2101G>T (p.Asp701Tyr)

Gene: CACNA1F (calcium voltage-gated channel subunit alpha1 F; minus strand). Cytogenetic location: Xp11.23.
Variant type: single nucleotide variant.
Coding change: c.2101G>T on transcript NM_001256789.3 (MANE Select); coding-DNA position 2101, G replaced by T.
Protein change: p.Asp701Tyr; replaces aspartic acid 701 with tyrosine.
Molecular consequence: missense variant.
Genome position (GRCh38, 1-based): chrX:49,222,823, C>A on the plus strand (G>T on the coding strand, the complement: CACNA1F is on the minus strand). VCF-style: chrX-49222823-C-A. GRCh37 (hg19) VCF-style: chrX-49079282-C-A.
Other names: c.1939G>T, p.Asp647Tyr (NM_001256790.3); c.2134G>T, p.Asp712Tyr (NM_005183.4); short protein forms D647Y, D701Y, D712Y.
Identifiers: ClinVar variation 1307603 (VCV001307603.7), dbSNP rs2147913764, ClinGen allele CA412911134.

ClinVar aggregate classification (germline): Uncertain significance. Review status: criteria provided, multiple submitters, no conflicts (2 of 4 stars). 2 submissions from 2 submitters: Uncertain significance (2). Last evaluated 2022-11-06.

Submissions (2):

Labcorp Genetics (formerly Invitae), Labcorp
Classification: Uncertain significance. Last evaluated: 2022-11-06. Review status: criteria provided, single submitter. Criteria: Invitae Variant Classification Sherloc (09022015). Collection method: clinical testing. Allele origin: germline.
Comment: This sequence change replaces aspartic acid, which is acidic and polar, with tyrosine, which is neutral and polar, at codon 712 of the CACNA1F protein (p.Asp712Tyr). This variant is not present in population databases (gnomAD no frequency). This variant has not been reported in the literature in individuals affected with CACNA1F-related conditions. ClinVar contains an entry for this variant (Variation ID: 1307603). Advanced modeling of protein sequence and biophysical properties (such as structural, functional, and spatial information, amino acid conservation, physicochemical variation, residue mobility, and thermodynamic stability) performed at Invitae indicates that this missense variant is expected to disrupt CACNA1F protein function. Algorithms developed to predict the effect of sequence changes on RNA splicing suggest that this variant may disrupt the consensus splice site. In summary, the available evidence is currently insufficient to determine the role of this variant in disease. Therefore, it has been classified as a Variant of Uncertain Significance.

GeneDx
Classification: Uncertain significance. Last evaluated: 2019-08-14. Review status: criteria provided, single submitter. Criteria: GeneDx Variant Classification Process June 2021. Collection method: clinical testing. Allele origin: germline. Affected: yes.
Comment: Not observed in large population cohorts (Lek et al., 2016); In silico analysis, which includes protein predictors and evolutionary conservation, supports a deleterious effect; Has not been previously published as pathogenic or benign to our knowledge